The following is an entry in ClinVar:

NM_017547.4(FOXRED1):c.862_871dup (p.Ala291fs)

Gene: FOXRED1 (FAD dependent oxidoreductase domain containing 1; plus strand). Cytogenetic location: 11q24.2.
Variant type: Duplication.
Coding change: c.862_871dup on transcript NM_017547.4 (MANE Select); coding-DNA positions 862 to 871, 10 bases duplicated (ATCAACGCAG; older notation c.862_871dupATCAACGCAG).
Protein change: p.Ala291fs; shifts the reading frame from alanine 291.
Molecular consequence: frameshift variant. On other transcripts: non-coding transcript variant (3).
Genome position (GRCh38, 1-based): chr11:126,276,110-126,276,119, ATCAACGCAG duplicated; duplicating any 10 consecutive bases within chr11:126,276,109-126,276,119 gives the same sequence; the c. name uses the placement nearest the transcript's 3' end. VCF-style (leftmost placement, unchanged base first): chr11-126276108-T-TGATCAACGCA. GRCh37 (hg19) VCF-style: chr11-126146003-T-TGATCAACGCA.
Other names: c.892_901dup, p.Ala301fs (NM_001425160.1); c.862_871dup, p.Ala291fs (NM_001425161.1, NM_001425163.1, NM_001425165.1 and 1 more transcripts); c.859_868dup, p.Ala290fs (NM_001425164.1); c.760_769dup, p.Ala257fs (NM_001425167.1); c.352_361dup, p.Ala121fs (NM_001425168.1, NM_001425169.1, NM_001425170.1); c.301_310dup, p.Ala104fs (NM_001425171.1, NM_001425172.1); c.229_238dup, p.Ala80fs (NM_001425173.1, NM_001425174.1, NM_001425175.1); short protein forms A291fs, A104fs, A290fs, A80fs, A121fs, A257fs, A301fs.
Identifiers: ClinVar variation 3726821 (VCV003726821.2).

ClinVar aggregate classification (germline): Pathogenic (1 of 4 stars; one submission).

Submission:

Labcorp Genetics (formerly Invitae), Labcorp
Classification: Pathogenic. Last evaluated: 2025-10-02. Review status: criteria provided, single submitter. Criteria: Invitae Variant Classification Sherloc (09022015). Collection method: clinical testing. Allele origin: germline.
Comment: This sequence change creates a premature translational stop signal (p.Ala291Aspfs*70) in the FOXRED1 gene. It is expected to result in an absent or disrupted protein product. Loss-of-function variants in FOXRED1 are known to be pathogenic (PMID: 20818383, 20858599). This variant is not present in population databases (gnomAD no frequency). This variant has not been reported in the literature in individuals affected with FOXRED1-related conditions. ClinVar contains an entry for this variant (Variation ID: 3726821). For these reasons, this variant has been classified as Pathogenic.

Literature cited by the submitters: PubMed 20818383; PubMed 20858599.